The following is an entry in ClinVar:

ClinVar aggregate classification (germline): Uncertain significance. Review status: criteria provided, multiple submitters, no conflicts (2 of 4 stars). 5 submissions from 5 submitters: Uncertain significance (5). Last evaluated 2026-01-06.

Conditions:
IRF2BP2-related disorder. Also called: IRF2BP2-related condition.
Immunodeficiency, common variable, 14. Identifiers: Orphanet 696904, MedGen C4540380, MONDO:0054691, OMIM 617765.

Allele frequency attached by ClinVar (database versions not stated): gnomAD exomes 0.00004; gnomAD 0.00009; TOPMed 0.00009.

Submissions (5):

Labcorp Genetics (formerly Invitae), Labcorp
Classification: Uncertain significance. Last evaluated: 2026-01-06. Review status: criteria provided, single submitter. Criteria: Invitae Variant Classification Sherloc (09022015). Collection method: clinical testing. Allele origin: germline.
Comment: This sequence change replaces alanine, which is neutral and non-polar, with glycine, which is neutral and non-polar, at codon 209 of the IRF2BP2 protein (p.Ala209Gly). This variant is present in population databases (rs531077036, gnomAD 0.006%). This variant has not been reported in the literature in individuals affected with IRF2BP2-related conditions. ClinVar contains an entry for this variant (Variation ID: 1475068). An algorithm developed to predict the effect of missense changes on protein structure and function (PolyPhen-2) suggests that this variant is likely to be disruptive. In summary, the available evidence is currently insufficient to determine the role of this variant in disease. Therefore, it has been classified as a Variant of Uncertain Significance.

PreventionGenetics, part of Exact Sciences
Classification: Uncertain significance for IRF2BP2-related condition. Last evaluated: 2024-12-16. Review status: criteria provided, single submitter. Criteria: ACMG Guidelines, 2015. Collection method: clinical testing. Allele origin: germline.
Comment: The IRF2BP2 c.626C>G variant is predicted to result in the amino acid substitution p.Ala209Gly. This variant has been reported in an individual with a complex immune phenotype (Table E4 in Similuk et al. 2022. PubMed ID: 35753512). This variant is reported in 0.0059% of alleles in individuals of European (Non-Finnish) descent in gnomAD. At this time, the clinical significance of this variant is uncertain due to the absence of conclusive functional and genetic evidence.

Fulgent Genetics
Classification: Uncertain significance for Immunodeficiency, common variable, 14. Last evaluated: 2024-04-16. Review status: criteria provided, single submitter. Criteria: ACMG Guidelines, 2015. Collection method: clinical testing. Allele origin: germline.

Department of Pathology and Laboratory Medicine, Sinai Health System
Classification: Uncertain significance for Immunodeficiency, common variable, 14. Last evaluated: 2022-09-06. Review status: criteria provided, single submitter. Criteria: ACMG Guidelines, 2015. Collection method: research. Allele origin: germline.

Breakthrough Genomics
Classification: Uncertain significance. Review status: criteria provided, single submitter. Criteria: ACMG Guidelines, 2015. Collection method: not provided. Allele origin: germline. Inheritance: Autosomal dominant inheritance. Affected: yes.

NM_182972.3(IRF2BP2):c.626C>G (p.Ala209Gly)

Genes: IRF2BP2 (interferon regulatory factor 2 binding protein 2; minus strand), LOC129932811 (ATAC-STARR-seq lymphoblastoid silent region 1976; plus strand). Cytogenetic location: 1q42.3.
Variant type: single nucleotide variant.
Coding change: c.626C>G on transcript NM_182972.3 (MANE Select); coding-DNA position 626, C replaced by G.
Protein change: p.Ala209Gly; replaces alanine 209 with glycine.
Molecular consequence: missense variant.
Genome position (GRCh38, 1-based): chr1:234,608,869, G>C on the plus strand (C>G on the coding strand, the complement: IRF2BP2 is on the minus strand). VCF-style: chr1-234608869-G-C. GRCh37 (hg19) VCF-style: chr1-234744615-G-C.
Other names: c.626C>G, p.Ala209Gly (NM_001077397.1); c.626C>G (NM_182972.2); short protein forms A209G.
Identifiers: ClinVar variation 1475068 (VCV001475068.12), dbSNP rs531077036, ClinGen allele CA39546441.